The following is an entry in ClinVar:

NM_004415.4(DSP):c.6932C>T (p.Pro2311Leu)

Gene: DSP (desmoplakin; plus strand). Cytogenetic location: 6p24.3.
Variant type: single nucleotide variant.
Coding change: c.6932C>T on transcript NM_004415.4 (MANE Select); coding-DNA position 6932, C replaced by T.
Protein change: p.Pro2311Leu; replaces proline 2311 with leucine.
Molecular consequence: missense variant.
Genome position (GRCh38, 1-based): chr6:7,584,194, C>T. VCF-style: chr6-7584194-C-T. GRCh37 (hg19) VCF-style: chr6-7584427-C-T.
Other names: c.5135C>T, p.Pro1712Leu (NM_001008844.3); c.5603C>T, p.Pro1868Leu (NM_001319034.2); short protein forms P1868L, P1712L, P2311L.
Identifiers: ClinVar variation 920748 (VCV000920748.5), dbSNP rs768947332, ClinGen allele CA048669.

ClinVar aggregate classification (germline): Uncertain significance (1 of 4 stars; one submission).

Conditions:
Cardiomyopathy (CMYO). Also called: Cardiomyopathies. Identifiers: Orphanet 167848, MedGen C0878544, MONDO:0004994, HP:0001638. Inheritance: Various modes of inheritance.

Allele frequency attached by ClinVar (database versions not stated): gnomAD exomes below 0.00001 and 0.00001; TOPMed below 0.00001; ExAC 0.00002.
gnomAD v4.1: 2 of 1,614,136 alleles (0.00012%); highest among the groups gnomAD compares: Admixed American, 0.0033%; no homozygotes.

Submission:

Color Diagnostics, LLC DBA Color Health
Classification: Uncertain significance for Cardiomyopathy. Last evaluated: 2023-12-04. Review status: criteria provided, single submitter. Criteria: ACMG Guidelines, 2015. Collection method: clinical testing. Allele origin: germline.
Comment: This missense variant replaces proline with leucine at codon 2311 of the DSP protein. Computational prediction tools and conservation analyses are inconclusive regarding the impact of this variant on the protein function. Computational splicing tools suggest that this variant may not impact RNA splicing. To our knowledge, functional assays have not been performed for this variant nor has this variant been reported in individuals affected with cardiovascular disorders in the literature. This variant has been identified in 2/251488 chromosomes in the general population by the Genome Aggregation Database (gnomAD). Available evidence is insufficient to determine the role of this variant in disease conclusively. Therefore, this variant is classified as a Variant of Uncertain Significance.